The following is an entry in ClinVar:

ClinVar aggregate classification (germline): Uncertain significance (1 of 4 stars; one submission).

Conditions:
Congenital contractural arachnodactyly (CCA). Also called: Beals-Hecht syndrome; BEALS SYNDROME; Arthrogryposis, distal, type 9. Identifiers: Orphanet 115, MedGen C0220668, MONDO:0007363, OMIM 121050.

Allele frequency attached by ClinVar (database versions not stated): TOPMed below 0.00001; gnomAD 0.00001.
gnomAD v4.1: 1 of 1,613,928 alleles (0.000062%); highest among the groups gnomAD compares: Non-Finnish European, 0.000085%; no homozygotes.

Submission:

Labcorp Genetics (formerly Invitae), Labcorp
Classification: Uncertain significance for Congenital contractural arachnodactyly. Last evaluated: 2025-03-09. Review status: criteria provided, single submitter. Criteria: Invitae Variant Classification Sherloc (09022015). Collection method: clinical testing. Allele origin: germline.
Comment: This sequence change replaces serine, which is neutral and polar, with leucine, which is neutral and non-polar, at codon 1431 of the FBN2 protein (p.Ser1431Leu). This variant is not present in population databases (gnomAD no frequency). This variant has not been reported in the literature in individuals affected with FBN2-related conditions. ClinVar contains an entry for this variant (Variation ID: 2732004). Invitae Evidence Modeling of protein sequence and biophysical properties (such as structural, functional, and spatial information, amino acid conservation, physicochemical variation, residue mobility, and thermodynamic stability) indicates that this missense variant is expected to disrupt FBN2 protein function with a positive predictive value of 80%. In summary, the available evidence is currently insufficient to determine the role of this variant in disease. Therefore, it has been classified as a Variant of Uncertain Significance.

NM_001999.4(FBN2):c.4292C>T (p.Ser1431Leu)

Gene: FBN2 (fibrillin 2; minus strand). Cytogenetic location: 5q23.3.
Variant type: single nucleotide variant.
Coding change: c.4292C>T on transcript NM_001999.4 (MANE Select); coding-DNA position 4292, C replaced by T.
Protein change: p.Ser1431Leu; replaces serine 1431 with leucine.
Molecular consequence: missense variant.
Genome position (GRCh38, 1-based): chr5:128,330,626, G>A on the plus strand (C>T on the coding strand, the complement: FBN2 is on the minus strand). VCF-style: chr5-128330626-G-A. GRCh37 (hg19) VCF-style: chr5-127666318-G-A.
Other names: short protein forms S1431L.
Identifiers: ClinVar variation 2732004 (VCV002732004.3), dbSNP rs1178847121, ClinGen allele CA360754012.